The following is an entry in ClinVar:

NM_025103.4(IFT74):c.853G>T (p.Glu285Ter)

Gene: IFT74 (intraflagellar transport 74; plus strand). Cytogenetic location: 9p21.2.
Variant type: single nucleotide variant.
Coding change: c.853G>T on transcript NM_025103.4 (MANE Select); coding-DNA position 853, G replaced by T.
Protein change: p.Glu285Ter; replaces glutamic acid 285 with a stop codon.
Molecular consequence: nonsense.
Genome position (GRCh38, 1-based): chr9:27,016,970, G>T. VCF-style: chr9-27016970-G-T. GRCh37 (hg19) VCF-style: chr9-27016968-G-T.
Other names: E285*; c.853G>T, p.Glu285Ter (NM_001099224.3, NM_001349928.2, NM_001099222.3 and 1 more transcripts).
Identifiers: ClinVar variation 1300253 (VCV001300253.7), dbSNP rs1056125920, ClinGen allele CA191315438.

ClinVar aggregate classification (germline): Pathogenic/Likely pathogenic. Review status: criteria provided, multiple submitters, no conflicts (2 of 4 stars). 3 submissions from 3 submitters: Pathogenic (1); Likely pathogenic (1). 1 of the submissions does not count toward it. Last evaluated 2022-07-23.

Conditions:
Joubert syndrome 40. Identifiers: MedGen C5562007, MONDO:0030462, OMIM 619582.

Allele frequency attached by ClinVar (database versions not stated): gnomAD exomes below 0.00001; TOPMed 0.00002.
gnomAD v4.1: 3 of 1,611,306 alleles (0.00019%); highest among the groups gnomAD compares: East Asian, 0.0022%; no homozygotes.

Submissions (3):

Labcorp Genetics (formerly Invitae), Labcorp
Classification: Pathogenic. Last evaluated: 2022-07-23. Review status: criteria provided, single submitter. Criteria: Invitae Variant Classification Sherloc (09022015). Collection method: clinical testing. Allele origin: germline.
Comment: ClinVar contains an entry for this variant (Variation ID: 1300253). For these reasons, this variant has been classified as Pathogenic. This premature translational stop signal has been observed in individual(s) with Joubert syndrome (PMID: 34539760). In at least one individual the data is consistent with being in trans (on the opposite chromosome) from a pathogenic variant. This variant is present in population databases (no rsID available, gnomAD 0.006%). This sequence change creates a premature translational stop signal (p.Glu285*) in the IFT74 gene. It is expected to result in an absent or disrupted protein product. Loss-of-function variants in IFT74 are known to be pathogenic (PMID: 33531668).

SIB Swiss Institute of Bioinformatics
Classification: Likely pathogenic for Joubert syndrome 40. Last evaluated: 2022-04-20. Review status: criteria provided, single submitter. Criteria: ACMG Guidelines, 2015. Collection method: curation. Allele origin: unknown.
Comment: This variant is interpreted as likely pathogenic for Joubert syndrome 40, autosomal recessive. The following ACMG Tag(s) were applied: Absent from controls (or at extremely low frequency if recessive) in Exome Sequencing Project, 1000 Genomes Project, or Exome Aggregation Consortium (PM2); Predicted nullvariant in a gene where LOF is a known mechanism of disease (PVS1 downgraded to strong).

OMIM
Classification: Pathogenic for JOUBERT SYNDROME 40. Last evaluated: 2021-10-21. Review status: no assertion criteria provided. Collection method: literature only. Allele origin: germline. Not counted in ClinVar's aggregate classification.

Literature cited by the submitters: PubMed 34539760 (cited by 3 submitters); PubMed 33531668 (cited by Labcorp Genetics (formerly Invitae), Labcorp).